The following is an entry in ClinVar:

ClinVar aggregate classification (germline): Pathogenic (1 of 4 stars; one submission).

Allele frequency attached by ClinVar (database versions not stated): gnomAD exomes below 0.00001.
gnomAD v4.1: 1 of 1,546,680 alleles (0.000065%); highest among the groups gnomAD compares: Non-Finnish European, 0.000087%; no homozygotes.

Submission:

Labcorp Genetics (formerly Invitae), Labcorp
Classification: Pathogenic. Last evaluated: 2024-03-05. Review status: criteria provided, single submitter. Criteria: Invitae Variant Classification Sherloc (09022015). Collection method: clinical testing. Allele origin: germline.
Comment: This sequence change creates a premature translational stop signal (p.Ser627*) in the CPLANE1 gene. It is expected to result in an absent or disrupted protein product. Loss-of-function variants in CPLANE1 are known to be pathogenic (PMID: 24178751, 26092869). This variant is not present in population databases (gnomAD no frequency). This variant has not been reported in the literature in individuals affected with CPLANE1-related conditions. For these reasons, this variant has been classified as Pathogenic.

Literature cited by the submitters: PubMed 24178751; PubMed 26092869.

NM_001384732.1(CPLANE1):c.1880C>G (p.Ser627Ter)

Gene: CPLANE1 (ciliogenesis and planar polarity effector complex subunit 1; minus strand). Cytogenetic location: 5p13.2.
Variant type: single nucleotide variant.
Coding change: c.1880C>G on transcript NM_001384732.1 (MANE Select); coding-DNA position 1880, C replaced by G.
Protein change: p.Ser627Ter; replaces serine 627 with a stop codon.
Molecular consequence: nonsense.
Genome position (GRCh38, 1-based): chr5:37,226,715, G>C on the plus strand (C>G on the coding strand, the complement: CPLANE1 is on the minus strand). VCF-style: chr5-37226715-G-C. GRCh37 (hg19) VCF-style: chr5-37226817-G-C.
Other names: c.1880C>G, p.Ser627Ter (NM_023073.4); short protein forms S627*.
Identifiers: ClinVar variation 2788881 (VCV002788881.3), dbSNP rs2548584165, ClinGen allele CA359498509.